The following is an entry in ClinVar:

ClinVar aggregate classification (germline): Uncertain significance (1 of 4 stars; one submission).

Conditions:
Early-infantile DEE. Also called: Early infantile epileptic encephalopathy with suppression bursts; Early infantile epileptic encephalopathy; Ohtahara syndrome. Identifiers: Orphanet 1934, MedGen C0393706, MONDO:0800491.

Submission:

Labcorp Genetics (formerly Invitae), Labcorp
Classification: Uncertain significance for Early-infantile DEE. Last evaluated: 2025-12-28. Review status: criteria provided, single submitter. Criteria: Invitae Variant Classification Sherloc (09022015). Collection method: clinical testing. Allele origin: germline.
Comment: This sequence change replaces phenylalanine, which is neutral and non-polar, with valine, which is neutral and non-polar, at codon 1600 of the SCN1A protein (p.Phe1600Val). This variant is not present in population databases (gnomAD no frequency). This variant has not been reported in the literature in individuals affected with SCN1A-related conditions. Invitae Evidence Modeling of protein sequence and biophysical properties (such as structural, functional, and spatial information, amino acid conservation, physicochemical variation, residue mobility, and thermodynamic stability) indicates that this missense variant is expected to disrupt SCN1A protein function with a positive predictive value of 95%. In summary, the available evidence is currently insufficient to determine the role of this variant in disease. Therefore, it has been classified as a Variant of Uncertain Significance.

NM_001165963.4(SCN1A):c.4798T>G (p.Phe1600Val)

Genes: SCN1A (sodium voltage-gated channel alpha subunit 1; minus strand), LOC102724058 (uncharacterized LOC102724058; plus strand). Cytogenetic location: 2q24.3.
Variant type: single nucleotide variant.
Coding change: c.4798T>G on transcript NM_001165963.4 (MANE Select); coding-DNA position 4798, T replaced by G.
Protein change: p.Phe1600Val; replaces phenylalanine 1600 with valine.
Molecular consequence: missense variant. On other transcripts: non-coding transcript variant (1).
Genome position (GRCh38, 1-based): chr2:165,994,200, A>C on the plus strand (T>G on the coding strand, the complement: SCN1A is on the minus strand). VCF-style: chr2-165994200-A-C. GRCh37 (hg19) VCF-style: chr2-166850710-A-C.
Other names: c.4714T>G, p.Phe1572Val (NM_001165964.3, NM_001353957.2, NM_001353958.2); c.4798T>G, p.Phe1600Val (NM_001202435.3, NM_001353948.2); c.4765T>G, p.Phe1589Val (NM_001353949.2, NM_001353950.2, NM_001353951.2 and 2 more transcripts); c.4762T>G, p.Phe1588Val (NM_001353954.2, NM_001353955.2); c.4711T>G, p.Phe1571Val (NM_001353960.2); c.2356T>G, p.Phe786Val (NM_001353961.2); short protein forms F1571V, F1572V, F1588V, F1589V, F1600V, F786V.
Identifiers: ClinVar variation 4800261 (VCV004800261.1).